The following is an entry in ClinVar:

NM_001379200.1(TBX1):c.100G>A (p.Gly34Arg)

Gene: TBX1 (T-box transcription factor 1; plus strand). Cytogenetic location: 22q11.21.
Variant type: single nucleotide variant.
Coding change: c.100G>A on transcript NM_001379200.1 (MANE Select); coding-DNA position 100, G replaced by A.
Protein change: p.Gly34Arg; replaces glycine 34 with arginine.
Molecular consequence: missense variant.
Genome position (GRCh38, 1-based): chr22:19,760,943, G>A. VCF-style: chr22-19760943-G-A. GRCh37 (hg19) VCF-style: chr22-19748466-G-A.
Other names: c.73G>A, p.Gly25Arg (NM_005992.1, NM_080646.2, NM_080647.1); short protein forms G25R, G34R.
Identifiers: ClinVar variation 1758722 (VCV001758722.3), dbSNP rs1936635936, ClinGen allele CA410681150.

ClinVar aggregate classification (germline): Uncertain significance. Review status: criteria provided, multiple submitters, no conflicts (2 of 4 stars). 2 submissions from 2 submitters: Uncertain significance (2). Last evaluated 2023-11-03.

Conditions:
Cardiovascular phenotype. Identifiers: MedGen CN230736.

Submissions (2):

GeneDx
Classification: Uncertain significance. Last evaluated: 2023-11-03. Review status: criteria provided, single submitter. Criteria: GeneDx Variant Classification Process June 2021. Collection method: clinical testing. Allele origin: germline. Affected: yes.
Comment: Not observed at significant frequency in large population cohorts (gnomAD); In silico analysis supports that this missense variant does not alter protein structure/function; Has not been previously published as pathogenic or benign to our knowledge

Ambry Genetics
Classification: Uncertain significance for Cardiovascular phenotype. Last evaluated: 2021-11-19. Review status: criteria provided, single submitter. Criteria: Ambry Variant Classification Scheme 2023. Collection method: clinical testing. Allele origin: germline.
Comment: The p.G25R variant (also known as c.73G>A), located in coding exon 2 of the TBX1 gene, results from a G to A substitution at nucleotide position 73. The glycine at codon 25 is replaced by arginine, an amino acid with dissimilar properties. This amino acid position is conserved. In addition, the in silico prediction for this alteration is inconclusive. Since supporting evidence is limited at this time, the clinical significance of this alteration remains unclear.